The following is an entry in ClinVar:

ClinVar aggregate classification (germline): Uncertain significance. Review status: criteria provided, multiple submitters, no conflicts (2 of 4 stars). 2 submissions from 2 submitters: Uncertain significance (2). Last evaluated 2023-10-13.

Conditions:
Hypertrophic cardiomyopathy 14. Identifiers: MedGen C2750467, MONDO:0013197, OMIM 613251.
Cardiovascular phenotype. Identifiers: MedGen CN230736.

Allele frequency attached by ClinVar (database versions not stated): gnomAD exomes below 0.00001.
gnomAD v4.1: 2 of 1,613,744 alleles (0.00012%); highest among the groups gnomAD compares: Non-Finnish European, 0.00017%; no homozygotes.

Submissions (2):

Labcorp Genetics (formerly Invitae), Labcorp
Classification: Uncertain significance for Hypertrophic cardiomyopathy 14. Last evaluated: 2023-10-13. Review status: criteria provided, single submitter. Criteria: Invitae Variant Classification Sherloc (09022015). Collection method: clinical testing. Allele origin: germline.
Comment: This sequence change replaces phenylalanine, which is neutral and non-polar, with valine, which is neutral and non-polar, at codon 858 of the MYH6 protein (p.Phe858Val). This variant is not present in population databases (gnomAD no frequency). This variant has not been reported in the literature in individuals affected with MYH6-related conditions. ClinVar contains an entry for this variant (Variation ID: 1383338). Advanced modeling of protein sequence and biophysical properties (such as structural, functional, and spatial information, amino acid conservation, physicochemical variation, residue mobility, and thermodynamic stability) performed at Invitae indicates that this missense variant is not expected to disrupt MYH6 protein function. In summary, the available evidence is currently insufficient to determine the role of this variant in disease. Therefore, it has been classified as a Variant of Uncertain Significance.

Ambry Genetics
Classification: Uncertain significance for Cardiovascular phenotype. Last evaluated: 2019-03-10. Review status: criteria provided, single submitter. Criteria: Ambry Variant Classification Scheme 2023. Collection method: clinical testing. Allele origin: germline.
Comment: The p.F858V variant (also known as c.2572T>G), located in coding exon 19 of the MYH6 gene, results from a T to G substitution at nucleotide position 2572. The phenylalanine at codon 858 is replaced by valine, an amino acid with highly similar properties. This amino acid position is highly conserved in available vertebrate species. In addition, this alteration is predicted to be deleterious by in silico analysis. Since supporting evidence is limited at this time, the clinical significance of this alteration remains unclear.

NM_002471.4(MYH6):c.2572T>G (p.Phe858Val)

Gene: MYH6 (myosin heavy chain 6; minus strand). Cytogenetic location: 14q11.2.
Variant type: single nucleotide variant.
Coding change: c.2572T>G on transcript NM_002471.4 (MANE Select); coding-DNA position 2572, T replaced by G.
Protein change: p.Phe858Val; replaces phenylalanine 858 with valine.
Molecular consequence: missense variant.
Genome position (GRCh38, 1-based): chr14:23,394,181, A>C on the plus strand (T>G on the coding strand, the complement: MYH6 is on the minus strand). VCF-style: chr14-23394181-A-C. GRCh37 (hg19) VCF-style: chr14-23863390-A-C.
Other names: short protein forms F858V.
Identifiers: ClinVar variation 1383338 (VCV001383338.8), dbSNP rs2138599736, ClinGen allele CA389014252.